The following is an entry in ClinVar:

NM_014141.6(CNTNAP2):c.541T>C (p.Cys181Arg)

Gene: CNTNAP2 (contactin associated protein 2; plus strand). Cytogenetic location: 7q35.
Variant type: single nucleotide variant.
Coding change: c.541T>C on transcript NM_014141.6 (MANE Select); coding-DNA position 541, T replaced by C.
Protein change: p.Cys181Arg; replaces cysteine 181 with arginine.
Molecular consequence: missense variant.
Genome position (GRCh38, 1-based): chr7:147,044,045, T>C. VCF-style: chr7-147044045-T-C. GRCh37 (hg19) VCF-style: chr7-146741137-T-C.
Other names: short protein forms C181R.
Identifiers: ClinVar variation 2162229 (VCV002162229.4), dbSNP rs2485756305, ClinGen allele CA369923672.
Genomic context (GRCh38, chr7:147,044,045, plus strand): 5'-ATAGTGCCTCTGGATTGGAATGGAGAAGGTCGCATTGGACTCAGAATTGAAGTTTATGGC[T>C]GTTCTTACTGTGAGTATCGTATTGTTTAAATTTGTGGCAGGTTTTATCTTTATTTAAATA-3'
Protein context (NP_054860.1, residues 171-191): RIGLRIEVYG[Cys181Arg]SYWADVINFD

ClinVar aggregate classification (germline): Uncertain significance (1 of 4 stars; one submission).

Conditions:
Cortical dysplasia-focal epilepsy syndrome (PTHSL1). Also called: Pitt-Hopkins-like syndrome 1. Identifiers: Orphanet 163681, Orphanet 221150, MedGen C2750246, MONDO:0012400, OMIM 610042.

gnomAD v4.1: 1 of 1,614,154 alleles (0.000062%); highest among the groups gnomAD compares: Non-Finnish European, 0.000085%; no homozygotes.

Submission:

Labcorp Genetics (formerly Invitae), Labcorp
Classification: Uncertain significance for Cortical dysplasia-focal epilepsy syndrome. Last evaluated: 2025-05-19. Review status: criteria provided, single submitter. Criteria: Invitae Variant Classification Sherloc (09022015). Collection method: clinical testing. Allele origin: germline.
Comment: This sequence change replaces cysteine, which is neutral and slightly polar, with arginine, which is basic and polar, at codon 181 of the CNTNAP2 protein (p.Cys181Arg). This variant is not present in population databases (gnomAD no frequency). This variant has not been reported in the literature in individuals affected with CNTNAP2-related conditions. ClinVar contains an entry for this variant (Variation ID: 2162229). An algorithm developed to predict the effect of missense changes on protein structure and function (PolyPhen-2) suggests that this variant is likely to be disruptive. In summary, the available evidence is currently insufficient to determine the role of this variant in disease. Therefore, it has been classified as a Variant of Uncertain Significance.